The following is an entry in ClinVar:

ClinVar aggregate classification (germline): Pathogenic (1 of 4 stars; one submission).

Conditions:
Nemaline myopathy 2 (NEM2). Also called: Nemaline myopathy 2, autosomal recessive. Identifiers: MedGen C1850569, MONDO:0009725, OMIM 256030.

Submission:

Labcorp Genetics (formerly Invitae), Labcorp
Classification: Pathogenic for Nemaline myopathy 2. Last evaluated: 2023-09-06. Review status: criteria provided, single submitter. Criteria: Invitae Variant Classification Sherloc (09022015). Collection method: clinical testing. Allele origin: germline.
Comment: This variant is not present in population databases (gnomAD no frequency). This sequence change creates a premature translational stop signal (p.Lys7356Glufs*14) in the NEB gene. It is expected to result in an absent or disrupted protein product. Loss-of-function variants in NEB are known to be pathogenic (PMID: 25205138). This variant has not been reported in the literature in individuals affected with NEB-related conditions. For these reasons, this variant has been classified as Pathogenic.

Literature cited by the submitters: PubMed 25205138.

NM_001164508.2(NEB):c.21960dup (p.Lys7321fs)

Genes: NEB (nebulin; minus strand), RIF1 (replication timing regulatory factor 1; plus strand). Cytogenetic location: 2q23.3.
Variant type: Duplication.
Coding change: c.21960dup on transcript NM_001164508.2 (MANE Select); coding-DNA position 21960, one base duplicated (G; older notation c.21960dupG).
Protein change: p.Lys7321fs; shifts the reading frame from lysine 7321.
Molecular consequence: frameshift variant.
Genome position (GRCh38, 1-based): chr2:151,526,248, C duplicated on the plus strand (G on the coding strand, the reverse complement: NEB is on the minus strand). VCF-style (leftmost placement, unchanged base first): chr2-151526247-T-TC. GRCh37 (hg19) VCF-style: chr2-152382761-T-TC.
Other names: c.21960dup, p.Lys7321fs (NM_001164507.2); c.22065dup, p.Lys7356fs (NM_001271208.2); c.16857dup, p.Lys5620fs (NM_004543.5); short protein forms K7321fs, K7356fs, K5620fs.
Identifiers: ClinVar variation 2758540 (VCV002758540.3), dbSNP rs2552117928, ClinGen allele CA2697551071.